The following is an entry in ClinVar:

NM_033380.3(COL4A5):c.3331del (p.Thr1111fs)

Gene: COL4A5 (collagen type IV alpha 5 chain; plus strand). Cytogenetic location: Xq22.3.
Variant type: Deletion.
Coding change: c.3331del on transcript NM_033380.3 (MANE Select); coding-DNA position 3331, one base deleted (A; older notation c.3331delA).
Protein change: p.Thr1111fs; shifts the reading frame from threonine 1111.
Molecular consequence: frameshift variant.
Genome position (GRCh38, 1-based): chrX:108,655,415, A deleted; the last of 2 consecutive A bases (chrX:108,655,414-108,655,415); deleting either gives the same sequence. VCF-style (leftmost placement, unchanged base first): chrX-108655413-GA-G. GRCh37 (hg19) VCF-style: chrX-107898643-GA-G.
Other names: c.3331del, p.Thr1111fs (NM_000495.5); short protein forms T1111fs.
Identifiers: ClinVar variation 4065096 (VCV004065096.2), dbSNP rs104886226.
Genomic context (GRCh38, chrX:108,655,413, plus strand): 5'-ACCCAGGGAACCCTGGTATCAAAGGTTCTGTGGGAGATCCTGGTTTGCCCGGATTACCAG[GA>G]ACCCCTGGAGCAAAAGGACAACCAGGCCTTCCTGGATTCCCAGGTAAAATTTCTTCTCTT-3'

ClinVar aggregate classification (germline): Likely pathogenic (1 of 4 stars; one submission).

Conditions:
X-linked Alport syndrome (ATS1). Also called: NEPHROPATHY AND DEAFNESS, X-LINKED; COL4A5-Related Nephropathy. Identifiers: Orphanet 63, Orphanet 88917, MedGen C4746986, MONDO:0010520, OMIM 301050.

Submission:

Natera, Inc.
Classification: Likely pathogenic for X-linked Alport syndrome. Last evaluated: 2025-04-04. Review status: criteria provided, single submitter. Criteria: Natera Variant Classification Schema (03/2026). Collection method: clinical testing. Allele origin: germline.
Comment: The c.3331del variant in COL4A5 is a frameshift variant predicted to shift the reading frame beginning at codon 1111 and leads to a stop codon 41 codons downstream. This variant is expected to result in nonsense mediated decay, truncation, or a dysfunctional protein product. This variant is rare in the general population with a frequency below the threshold expected for the associated phenotype(s). Given the available evidence, this variant is classified as Likely Pathogenic.